The following is an entry in ClinVar:

NM_058216.3(RAD51C):c.362C>T (p.Thr121Ile)

Gene: RAD51C (RAD51 paralog C; plus strand). Cytogenetic location: 17q22.
Variant type: single nucleotide variant.
Coding change: c.362C>T on transcript NM_058216.3 (MANE Select); coding-DNA position 362, C replaced by T.
Protein change: p.Thr121Ile; replaces threonine 121 with isoleucine.
Molecular consequence: missense variant. On other transcripts: non-coding transcript variant (2).
Genome position (GRCh38, 1-based): chr17:58,695,147, C>T. VCF-style: chr17-58695147-C-T. GRCh37 (hg19) VCF-style: chr17-56772508-C-T.
Other names: c.362C>T, p.Thr121Ile (NM_002876.4); short protein forms T121I.
Identifiers: ClinVar variation 850094 (VCV000850094.18), dbSNP rs2047956659, ClinGen allele CA400341707.

ClinVar aggregate classification (germline): Uncertain significance. Review status: criteria provided, multiple submitters, no conflicts (2 of 4 stars). 3 submissions from 3 submitters: Uncertain significance (3). Last evaluated 2024-12-25.

Conditions:
Fanconi anemia complementation group O. Also called: RAD51C-Related Fanconi Anemia. Identifiers: Orphanet 84, MedGen C3150653, MONDO:0013248, OMIM 613390.
Hereditary cancer-predisposing syndrome. Also called: Neoplastic Syndromes, Hereditary; Hereditary Cancer Syndrome; Hereditary neoplastic syndrome; Tumor predisposition. Identifiers: Orphanet 140162, MedGen C0027672, MeSH D009386, MONDO:0015356.

Allele frequency attached by ClinVar (database versions not stated): gnomAD exomes below 0.00001.
gnomAD v4.1: 4 of 1,613,658 alleles (0.00025%); highest among the groups gnomAD compares: Non-Finnish European, 0.00034%; no homozygotes.

Submissions (3):

Ambry Genetics
Classification: Uncertain significance for Hereditary cancer-predisposing syndrome. Last evaluated: 2024-12-25. Review status: criteria provided, single submitter. Criteria: Ambry Variant Classification Scheme 2023. Collection method: clinical testing. Allele origin: germline.
Comment: The p.T121I variant (also known as c.362C>T), located in coding exon 2 of the RAD51C gene, results from a C to T substitution at nucleotide position 362. The threonine at codon 121 is replaced by isoleucine, an amino acid with similar properties. This amino acid position is conserved. In addition, this alteration is predicted to be deleterious by in silico analysis. Since supporting evidence is limited at this time, the clinical significance of this alteration remains unclear.

Labcorp Genetics (formerly Invitae), Labcorp
Classification: Uncertain significance for Fanconi anemia complementation group O. Last evaluated: 2024-11-19. Review status: criteria provided, single submitter. Criteria: Invitae Variant Classification Sherloc (09022015). Collection method: clinical testing. Allele origin: germline.
Comment: This sequence change replaces threonine, which is neutral and polar, with isoleucine, which is neutral and non-polar, at codon 121 of the RAD51C protein (p.Thr121Ile). This variant is not present in population databases (gnomAD no frequency). This variant has not been reported in the literature in individuals affected with RAD51C-related conditions. ClinVar contains an entry for this variant (Variation ID: 850094). Invitae Evidence Modeling of protein sequence and biophysical properties (such as structural, functional, and spatial information, amino acid conservation, physicochemical variation, residue mobility, and thermodynamic stability) indicates that this missense variant is not expected to disrupt RAD51C protein function with a negative predictive value of 80%. In summary, the available evidence is currently insufficient to determine the role of this variant in disease. Therefore, it has been classified as a Variant of Uncertain Significance.

Color Diagnostics, LLC DBA Color Health
Classification: Uncertain significance for Hereditary cancer-predisposing syndrome. Last evaluated: 2023-12-05. Review status: criteria provided, single submitter. Criteria: ACMG Guidelines, 2015. Collection method: clinical testing. Allele origin: germline.
Comment: This missense variant replaces threonine with isoleucine at codon 121 of the RAD51C protein. Computational prediction tools and conservation analyses are inconclusive regarding the impact of this variant on the protein function. Computational splicing tools suggest that this variant may not impact RNA splicing. To our knowledge, functional assays have not been performed for this variant nor has this variant been reported in individuals affected with hereditary cancer in the literature. This variant has not been identified in the general population by the Genome Aggregation Database (gnomAD). Available evidence is insufficient to determine the role of this variant in disease conclusively. Therefore, this variant is classified as a Variant of Uncertain Significance.